The following is an entry in ClinVar:

NM_032228.6(FAR1):c.160G>C (p.Glu54Gln)

Gene: FAR1 (fatty acyl-CoA reductase 1; plus strand). Cytogenetic location: 11p15.3.
Variant type: single nucleotide variant.
Coding change: c.160G>C on transcript NM_032228.6 (MANE Select); coding-DNA position 160, G replaced by C.
Protein change: p.Glu54Gln; replaces glutamic acid 54 with glutamine.
Molecular consequence: missense variant.
Genome position (GRCh38, 1-based): chr11:13,694,925, G>C. VCF-style: chr11-13694925-G-C. GRCh37 (hg19) VCF-style: chr11-13716472-G-C.
Other names: short protein forms E54Q.
Identifiers: ClinVar variation 1961992 (VCV001961992.5), dbSNP rs775362138, ClinGen allele CA5893251.

ClinVar aggregate classification (germline): Uncertain significance (1 of 4 stars; one submission).

Allele frequency attached by ClinVar (database versions not stated): gnomAD exomes below 0.00001; TOPMed below 0.00001; gnomAD 0.00001; ExAC 0.00002.
gnomAD v4.1: 6 of 1,613,080 alleles (0.00037%); highest among the groups gnomAD compares: Non-Finnish European, 0.00051%; no homozygotes.

Submission:

Labcorp Genetics (formerly Invitae), Labcorp
Classification: Uncertain significance. Last evaluated: 2022-08-10. Review status: criteria provided, single submitter. Criteria: Invitae Variant Classification Sherloc (09022015). Collection method: clinical testing. Allele origin: germline.
Comment: In summary, the available evidence is currently insufficient to determine the role of this variant in disease. Therefore, it has been classified as a Variant of Uncertain Significance. Algorithms developed to predict the effect of missense changes on protein structure and function are either unavailable or do not agree on the potential impact of this missense change (SIFT: "Deleterious"; PolyPhen-2: "Benign"; Align-GVGD: "Class C0"). This variant has not been reported in the literature in individuals affected with FAR1-related conditions. This variant is present in population databases (rs775362138, gnomAD 0.002%). This sequence change replaces glutamic acid, which is acidic and polar, with glutamine, which is neutral and polar, at codon 54 of the FAR1 protein (p.Glu54Gln).